The following is an entry in ClinVar:

ClinVar aggregate classification (germline): Uncertain significance (1 of 4 stars; one submission).

Conditions:
Glycogen storage disease, type II (IOPD). Also called: Pompe Disease; CARDIOMEGALIA GLYCOGENICA DIFFUSA; GLYCOGENOSIS, GENERALIZED, CARDIAC FORM; GSD II; POMPE DISEASE, INFANTILE-ONSET; GLYCOGEN STORAGE DISEASE II, INFANTILE-ONSET. Identifiers: Orphanet 365, MedGen C0017921, MONDO:0009290, OMIM 232300.

Submission:

Genomenon, Inc
Classification: Uncertain significance for Glycogen storage disease, type II. Last evaluated: 2026-07-01. Review status: criteria provided, single submitter. Criteria: Genomenon Sequence Variant Interpretation Standards - Updated. Collection method: curation. Allele origin: germline. Affected: yes.
Comment: GAA p.Pro296Thr (c.886C>A) is a missense variant that changes the amino acid at codon 296 from Proline to Threonine. This variant has been observed in at least one proband with a GAA-related disorder (PMID:36310651). It is absent or not present at a significant frequency in gnomAD. In silico models predict that this variant is possibly or probably damaging. In conclusion, we classify GAA p.Pro296Thr (c.886C>A) as a variant of uncertain significance.

Literature cited by the submitters: PubMed 36310651.

NM_000152.5(GAA):c.886C>A (p.Pro296Thr)

Gene: GAA (alpha glucosidase; plus strand). Cytogenetic location: 17q25.3.
Variant type: single nucleotide variant.
Coding change: c.886C>A on transcript NM_000152.5 (MANE Select); coding-DNA position 886, C replaced by A.
Protein change: p.Pro296Thr; replaces proline 296 with threonine.
Molecular consequence: missense variant.
Genome position (GRCh38, 1-based): chr17:80,107,827, C>A. VCF-style: chr17-80107827-C-A. GRCh37 (hg19) VCF-style: chr17-78081626-C-A.
Other names: c.886C>A, p.Pro296Thr (NM_001079803.3, NM_001079804.3, NM_001406741.1 and 1 more transcripts); short protein forms P296T.
Identifiers: ClinVar variation 4876627 (VCV004876627.1).